The following is an entry in ClinVar:

ClinVar aggregate classification (germline): Uncertain significance (1 of 4 stars; one submission).

Conditions:
PIK3CD-related disorder. Also called: PIK3CD-related condition.

Submission:

PreventionGenetics, part of Exact Sciences
Classification: Uncertain significance for PIK3CD-related condition. Last evaluated: 2023-04-16. Review status: criteria provided, single submitter. Criteria: ACMG Guidelines, 2015. Collection method: clinical testing. Allele origin: germline.
Comment: The PIK3CD c.234G>C variant is predicted to result in the amino acid substitution p.Glu78Asp. To our knowledge, this variant has not been reported in the literature or in a large population database, indicating this variant is rare. At this time, the clinical significance of this variant is uncertain due to the absence of conclusive functional and genetic evidence.

NM_005026.5(PIK3CD):c.234G>C (p.Glu78Asp)

Gene: PIK3CD (phosphatidylinositol-4,5-bisphosphate 3-kinase catalytic subunit delta; plus strand). Cytogenetic location: 1p36.22.
Variant type: single nucleotide variant.
Coding change: c.234G>C on transcript NM_005026.5 (MANE Select); coding-DNA position 234, G replaced by C.
Protein change: p.Glu78Asp; replaces glutamic acid 78 with aspartic acid.
Molecular consequence: missense variant.
Genome position (GRCh38, 1-based): chr1:9,715,633, G>C. VCF-style: chr1-9715633-G-C. GRCh37 (hg19) VCF-style: chr1-9775691-G-C.
Other names: c.234G>C, p.Glu78Asp (NM_001350234.2, NM_001350235.1); short protein forms E78D.
Identifiers: ClinVar variation 2633253 (VCV002633253.1), dbSNP rs1647287735, ClinGen allele CA338300151.